The following is an entry in ClinVar:

NM_153240.5(NPHP3):c.1027A>G (p.Ile343Val)

Genes: NPHP3 (nephrocystin 3; minus strand), NPHP3-ACAD11 (NPHP3-ACAD11 readthrough (NMD candidate); minus strand). Cytogenetic location: 3q22.1.
Variant type: single nucleotide variant.
Coding change: c.1027A>G on transcript NM_153240.5 (MANE Select); coding-DNA position 1027, A replaced by G.
Protein change: p.Ile343Val; replaces isoleucine 343 with valine.
Molecular consequence: missense variant. On other transcripts: non-coding transcript variant (1).
Genome position (GRCh38, 1-based): chr3:132,713,217, T>C on the plus strand (A>G on the coding strand, the complement: NPHP3 is on the minus strand). VCF-style: chr3-132713217-T-C. GRCh37 (hg19) VCF-style: chr3-132432061-T-C.
Other names: short protein forms I343V.
Identifiers: ClinVar variation 262691 (VCV000262691.11), dbSNP rs372145755, ClinGen allele CA2622431.

ClinVar aggregate classification (germline): Conflicting classifications of pathogenicity. Review status: criteria provided, conflicting classifications (1 of 4 stars). 3 submissions from 3 submitters: Uncertain significance (2); Likely benign (1). Last evaluated 2024-02-14.

Conditions:
Nephronophthisis. Also called: Juvenile Nephronophthisis. Identifiers: Orphanet 655, MedGen C0687120, MONDO:0019005, HP:0000090.
NPHP3-related Meckel-like syndrome. Also called: GOLDSTON SYNDROME; Meckel syndrome type 7. Identifiers: Orphanet 3032, MedGen C2673885, MONDO:0009966, OMIM 267010.
Nephronophthisis 3 (NPHP3). Also called: Adolescent nephronophthisis. Identifiers: Orphanet 655, MedGen C1858392, MONDO:0011456, OMIM 604387.
Renal-hepatic-pancreatic dysplasia 1 (RHPD1). Identifiers: MedGen C3715199, MONDO:0008833, OMIM 208540.

Allele frequency attached by ClinVar (database versions not stated): gnomAD exomes below 0.00001 and 0.00002; ExAC 0.00003; 1000 Genomes Project 0.00020; ESP Exome Variant Server 0.00008; 1000 Genomes Project 30x 0.00031; gnomAD 0.00003; TOPMed 0.00004.

Submissions (3):

Fulgent Genetics
Classification: Uncertain significance for Renal-hepatic-pancreatic dysplasia 1; NPHP3-related Meckel-like syndrome; Nephronophthisis 3. Last evaluated: 2024-02-14. Review status: criteria provided, single submitter. Criteria: ACMG Guidelines, 2015. Collection method: clinical testing. Allele origin: germline.

Labcorp Genetics (formerly Invitae), Labcorp
Classification: Uncertain significance for Nephronophthisis. Last evaluated: 2019-12-31. Review status: criteria provided, single submitter. Criteria: Invitae Variant Classification Sherloc (09022015). Collection method: clinical testing. Allele origin: germline.
Comment: Algorithms developed to predict the effect of missense changes on protein structure and function output the following: SIFT: "Tolerated"; PolyPhen-2: "Benign"; Align-GVGD: "Class C0". The valine amino acid residue is found in multiple mammalian species, suggesting that this missense change does not adversely affect protein function. These predictions have not been confirmed by published functional studies and their clinical significance is uncertain. This sequence change replaces isoleucine with valine at codon 343 of the NPHP3 protein (p.Ile343Val). The isoleucine residue is moderately conserved and there is a small physicochemical difference between isoleucine and valine. This variant is present in population databases (rs372145755, ExAC 0.03%). This variant has not been reported in the literature in individuals with NPHP3-related conditions. ClinVar contains an entry for this variant (Variation ID: 262691). Algorithms developed to predict the effect of sequence changes on RNA splicing suggest that this variant may create or strengthen a splice site, but this prediction has not been confirmed by published transcriptional studies. In summary, the available evidence is currently insufficient to determine the role of this variant in disease. Therefore, it has been classified as a Variant of Uncertain Significance.

PreventionGenetics, part of Exact Sciences
Classification: Likely benign. Review status: criteria provided, single submitter. Criteria: ACMG Guidelines, 2015. Collection method: clinical testing. Allele origin: germline.